The following is an entry in ClinVar:

NM_000478.6(ALPL):c.239A>G (p.Asn80Ser)

Gene: ALPL (alkaline phosphatase, biomineralization associated; plus strand). Cytogenetic location: 1p36.12.
Variant type: single nucleotide variant.
Coding change: c.239A>G on transcript NM_000478.6 (MANE Select); coding-DNA position 239, A replaced by G.
Protein change: p.Asn80Ser; replaces asparagine 80 with serine.
Molecular consequence: missense variant. On other transcripts: intron variant (1).
Genome position (GRCh38, 1-based): chr1:21,561,154, A>G. VCF-style: chr1-21561154-A-G. GRCh37 (hg19) VCF-style: chr1-21887647-A-G.
Other names: c.74A>G, p.Asn25Ser (NM_001127501.4); c.239A>G, p.Asn80Ser (NM_001369803.2, NM_001369804.2, NM_001369805.2); c.66+409A>G (NM_001177520.3); short protein forms N25S, N80S.
Identifiers: ClinVar variation 4891425 (VCV004891425.1).

ClinVar aggregate classification (germline): Uncertain significance (1 of 4 stars; one submission).

gnomAD v4.1: 19 of 1,613,386 alleles (0.0012%); highest among the groups gnomAD compares: Non-Finnish European, 0.0015%; no homozygotes.

Submission:

GeneDx
Classification: Uncertain significance. Last evaluated: 2026-01-30. Review status: criteria provided, single submitter. Criteria: GeneDx Variant Classification Process June 2021. Collection method: clinical testing. Allele origin: germline.
Comment: Not observed at significant frequency in large population cohorts (gnomAD); In silico analysis suggests that this missense variant does not alter protein structure/function; Has not been previously published as pathogenic or benign to our knowledge.